The following is an entry in ClinVar:

NM_000787.4(DBH):c.1599G>A (p.Ala533=)

Genes: DBH (dopamine beta-hydroxylase; plus strand), DBH-AS1 (DBH antisense RNA 1; minus strand). Cytogenetic location: 9q34.2.
Variant type: single nucleotide variant.
Coding change: c.1599G>A on transcript NM_000787.4 (MANE Select); coding-DNA position 1599, G replaced by A.
Protein change: p.Ala533=; no amino-acid change (alanine 533 retained).
Molecular consequence: synonymous variant.
Genome position (GRCh38, 1-based): chr9:133,657,106, G>A. VCF-style: chr9-133657106-G-A. GRCh37 (hg19) VCF-style: chr9-136522228-G-A.
Identifiers: ClinVar variation 365670 (VCV000365670.36), dbSNP rs377563744, ClinGen allele CA5313625.

ClinVar aggregate classification (germline): Conflicting classifications of pathogenicity. Review status: criteria provided, conflicting classifications (1 of 4 stars). 5 submissions from 5 submitters: Uncertain significance (1); Likely benign (3). 1 of the submissions does not count toward it. Last evaluated 2025-04-11.

Conditions:
Orthostatic hypotension 1 (ORTHYP1). Also called: Dopamine beta-hydroxylase deficiency; NORADRENALINE DEFICIENCY; NOREPINEPHRINE DEFICIENCY; Orthostatic hypotension 1, due to DBH deficiency. Identifiers: Orphanet 230, MedGen C4746777, MONDO:0009123, OMIM 223360.
DBH-related disorder. Also called: DBH-related condition.

Allele frequency attached by ClinVar (database versions not stated): gnomAD 0.00007 and 0.00008; ESP Exome Variant Server 0.00008; gnomAD exomes 0.00008; TOPMed 0.00009; ExAC 0.00011.
gnomAD v4.1: 116 of 1,613,916 alleles (0.0072%); highest among the groups gnomAD compares: Middle Eastern, 0.033%; no homozygotes.

Submissions (5):

Labcorp Genetics (formerly Invitae), Labcorp
Classification: Likely benign for Orthostatic hypotension 1. Last evaluated: 2025-04-11. Review status: criteria provided, single submitter. Criteria: Invitae Variant Classification Sherloc (09022015). Collection method: clinical testing. Allele origin: germline.

Blueprint Genetics
Classification: Likely benign. Last evaluated: 2024-10-15. Review status: criteria provided, single submitter. Criteria: ACMG Guidelines, 2015. Collection method: clinical testing. Allele origin: germline.

CeGaT Center for Human Genetics Tuebingen
Classification: Likely benign. Last evaluated: 2024-01-01. Review status: criteria provided, single submitter. Criteria: CeGaT Center For Human Genetics Tuebingen Variant Classification Criteria Version 2. Collection method: clinical testing. Allele origin: germline. Affected: yes. Observed: 1 variant allele.
Comment: DBH: BP4, BP7

Illumina Laboratory Services, Illumina
Classification: Uncertain significance for Orthostatic hypotension 1. Last evaluated: 2018-01-12. Review status: criteria provided, single submitter. Criteria: ICSL Variant Classification Criteria 13 December 2019. Collection method: clinical testing. Allele origin: germline.

PreventionGenetics, part of Exact Sciences
Classification: Likely benign for DBH-related condition. Last evaluated: 2019-02-20. Review status: no assertion criteria provided. Collection method: clinical testing. Allele origin: germline. Not counted in ClinVar's aggregate classification.
Comment: This variant is classified as likely benign based on ACMG/AMP sequence variant interpretation guidelines (Richards et al. 2015 PMID: 25741868, with internal and published modifications).